The following is an entry in ClinVar:

ClinVar aggregate classification (germline): Uncertain significance. Review status: criteria provided, multiple submitters, no conflicts (2 of 4 stars). 2 submissions from 2 submitters: Uncertain significance (2). Last evaluated 2026-08-03.

Allele frequency attached by ClinVar (database versions not stated): gnomAD exomes below 0.00001.
gnomAD v4.1: 1 of 1,613,488 alleles (0.000062%); highest among the groups gnomAD compares: Non-Finnish European, 0.000085%; no homozygotes.

Submissions (2):

GeneDx
Classification: Uncertain significance. Last evaluated: 2026-08-03. Review status: criteria provided, single submitter. Criteria: GeneDx Variant Classification Process June 2021. Collection method: clinical testing. Allele origin: germline.
Comment: Not observed at significant frequency in large population cohorts (gnomAD); In silico analysis suggests that this missense variant does not alter protein structure/function; Has not been previously published as pathogenic or benign to our knowledge

Labcorp Genetics (formerly Invitae), Labcorp
Classification: Uncertain significance. Last evaluated: 2023-11-02. Review status: criteria provided, single submitter. Criteria: Invitae Variant Classification Sherloc (09022015). Collection method: clinical testing. Allele origin: germline.
Comment: This sequence change replaces leucine, which is neutral and non-polar, with valine, which is neutral and non-polar, at codon 1361 of the CLTC protein (p.Leu1361Val). This variant is not present in population databases (gnomAD no frequency). This variant has not been reported in the literature in individuals affected with CLTC-related conditions. Advanced modeling of protein sequence and biophysical properties (such as structural, functional, and spatial information, amino acid conservation, physicochemical variation, residue mobility, and thermodynamic stability) performed at Invitae indicates that this missense variant is expected to disrupt CLTC protein function with a positive predictive value of 80%. In summary, the available evidence is currently insufficient to determine the role of this variant in disease. Therefore, it has been classified as a Variant of Uncertain Significance.

NM_004859.4(CLTC):c.4069C>G (p.Leu1357Val)

Genes: CLTC (clathrin heavy chain; plus strand), LOC126862609 (CDK7 strongly-dependent group 2 enhancer GRCh37_chr17:57760547-57761746; plus strand). Cytogenetic location: 17q23.1.
Variant type: single nucleotide variant.
Coding change: c.4069C>G on transcript NM_004859.4 (MANE Select); coding-DNA position 4069, C replaced by G.
Protein change: p.Leu1357Val; replaces leucine 1357 with valine.
Molecular consequence: missense variant.
Genome position (GRCh38, 1-based): chr17:59,683,414, C>G. VCF-style: chr17-59683414-C-G. GRCh37 (hg19) VCF-style: chr17-57760775-C-G.
Other names: c.4081C>G, p.Leu1361Val (NM_001288653.2); c.4081C>G (NM_001288653.1); short protein forms L1357V, L1361V.
Identifiers: ClinVar variation 2798899 (VCV002798899.5), dbSNP rs2509154686, ClinGen allele CA400420348.
Genomic context (GRCh38, chr17:59,683,414, plus strand): 5'-CATATCTAAAGCAATTAAGTCTTTCTTATGCAGGTGCTAAGAGCTGCAGAACAAGCTCAT[C>G]TTTGGGCAGAACTGGTGTTTTTGTATGACAAGTATGAAGAATATGATAATGCCATAATTA-3'
Protein context (NP_004850.1, residues 1347-1367): KVLRAAEQAH[Leu1357Val]WAELVFLYDK